The following is an entry in ClinVar:

NM_017777.4(MKS1):c.295T>G (p.Cys99Gly)

Gene: MKS1 (MKS transition zone complex subunit 1; minus strand). Cytogenetic location: 17q22.
Variant type: single nucleotide variant.
Coding change: c.295T>G on transcript NM_017777.4 (MANE Select); coding-DNA position 295, T replaced by G.
Protein change: p.Cys99Gly; replaces cysteine 99 with glycine.
Molecular consequence: missense variant. On other transcripts: 5 prime UTR variant (1).
Genome position (GRCh38, 1-based): chr17:58,216,210, A>C on the plus strand (T>G on the coding strand, the complement: MKS1 is on the minus strand). VCF-style: chr17-58216210-A-C. GRCh37 (hg19) VCF-style: chr17-56293571-A-C.
Other names: c.-217T>G (NM_001321268.2); c.295T>G, p.Cys99Gly (NM_001321269.2, NM_001330397.2, NM_001411113.1); short protein forms C99G.
Identifiers: ClinVar variation 4991806 (VCV004991806.1).

ClinVar aggregate classification (germline): Uncertain significance (1 of 4 stars; one submission).

Conditions:
MKS1-related disorder. Also called: MKS1-related disorders; MKS1-related condition. Identifiers: MedGen CN239382.

gnomAD v4.1: 1 of 1,613,906 alleles (0.000062%); no homozygotes.

Submission:

PreventionGenetics, part of Exact Sciences
Classification: Uncertain significance for MKS1-related condition. Last evaluated: 2025-10-06. Review status: criteria provided, single submitter. Criteria: ACMG Guidelines, 2015. Collection method: clinical testing. Allele origin: germline.
Comment: The MKS1 c.295T>G variant is predicted to result in the amino acid substitution p.Cys99Gly. To our knowledge, this variant has not been reported in the literature. This variant is reported in 0.0099% of alleles in individuals of Ashkenazi Jewish descent in gnomAD. At this time, the clinical significance of this variant is uncertain due to the absence of conclusive functional and genetic evidence.